The following is an entry in ClinVar:

ClinVar aggregate classification (germline): Uncertain significance. Review status: criteria provided, multiple submitters, no conflicts (2 of 4 stars). 2 submissions from 2 submitters: Uncertain significance (2). Last evaluated 2025-07-07.

Conditions:
Inborn genetic diseases. Identifiers: MedGen C0950123, MeSH D030342.
Fanconi anemia complementation group A (FANCA). Also called: FANCA-Related Fanconi Anemia; Fanconi anemia, group A. Identifiers: Orphanet 84, MedGen C3469521, MONDO:0009215, OMIM 227650.

Submissions (2):

Ambry Genetics
Classification: Uncertain significance for Inborn genetic diseases. Last evaluated: 2025-07-07. Review status: criteria provided, single submitter. Criteria: Ambry Variant Classification Scheme 2023. Collection method: clinical testing. Allele origin: germline.
Comment: The p.G1426E variant (also known as c.4277G>A), located in coding exon 43 of the FANCA gene, results from a G to A substitution at nucleotide position 4277. The glycine at codon 1426 is replaced by glutamic acid, an amino acid with similar properties. This amino acid position is conserved. In addition, this alteration is predicted to be tolerated by in silico analysis. Based on the available evidence, the clinical significance of this variant remains unclear.

Fulgent Genetics
Classification: Uncertain significance for Fanconi anemia complementation group A. Last evaluated: 2024-05-08. Review status: criteria provided, single submitter. Criteria: ACMG Guidelines, 2015. Collection method: clinical testing. Allele origin: germline.

NM_000135.4(FANCA):c.4277G>A (p.Gly1426Glu)

Genes: FANCA (FA complementation group A; minus strand), ZNF276 (zinc finger protein 276; plus strand). Cytogenetic location: 16q24.3.
Variant type: single nucleotide variant.
Coding change: c.4277G>A on transcript NM_000135.4 (MANE Select); coding-DNA position 4277, G replaced by A.
Protein change: p.Gly1426Glu; replaces glycine 1426 with glutamic acid.
Molecular consequence: missense variant. On other transcripts: 3 prime UTR variant (3), non-coding transcript variant (4).
Genome position (GRCh38, 1-based): chr16:89,738,692, C>T on the plus strand (G>A on the coding strand, the complement: FANCA is on the minus strand). VCF-style: chr16-89738692-C-T. GRCh37 (hg19) VCF-style: chr16-89805100-C-T.
Other names: c.*6G>A (NM_001286167.3); c.*446C>T (NM_001113525.2, NM_152287.4); short protein forms G1426E.
Identifiers: ClinVar variation 3581435 (VCV003581435.2).